The following is an entry in ClinVar:

NM_000059.4(BRCA2):c.9294C>G (p.Tyr3098Ter)

Gene: BRCA2 (BRCA2 DNA repair associated; plus strand). Cytogenetic location: 13q13.1.
Variant type: single nucleotide variant.
Coding change: c.9294C>G on transcript NM_000059.4 (MANE Select); coding-DNA position 9294, C replaced by G.
Protein change: p.Tyr3098Ter; replaces tyrosine 3098 with a stop codon.
Molecular consequence: nonsense.
Genome position (GRCh38, 1-based): chr13:32,394,726, C>G. VCF-style: chr13-32394726-C-G. GRCh37 (hg19) VCF-style: chr13-32968863-C-G.
Other names: p.Y3098*:TAC>TAG; 9522C>G; short protein forms Y3098*.
Identifiers: ClinVar variation 38229 (VCV000038229.77), dbSNP rs80359200, ClinGen allele CA026094.

ClinVar aggregate classification (germline): Pathogenic. Review status: reviewed by expert panel (3 of 4 stars). 29 submissions from 29 submitters: Pathogenic (1). 28 of the submissions do not count toward it. Last evaluated 2016-04-22.

Conditions:
Inherited breast cancer and ovarian cancer.
BRCA2-related cancer predisposition. Identifiers: MedGen CN377758, MONDO:0700269.
Autosomal dominant BRCA2-related cancer types.
Glioma susceptibility 3 (GLM3). Also called: Glioblastoma 3. Identifiers: Orphanet 182067, Orphanet 360, MedGen C2751641, MONDO:0013093, OMIM 613029.
Prostate cancer. Also called: Malignant tumor of prostate. Identifiers: Orphanet 1331, MedGen C0376358, MONDO:0008315, HP:0012125.
Breast-ovarian cancer, familial, susceptibility to, 2 (BROVCA2). Also called: BRCA2 Hereditary Breast and Ovarian Cancer. Identifiers: Orphanet 145, MedGen C2675520, MONDO:0012933, OMIM 612555. Disease mechanism: loss of function.
Wilms tumor 1 (WT1). Also called: Wilms tumor, somatic. Identifiers: Orphanet 654, MedGen CN033288, MONDO:0008679, OMIM 194070.
Medulloblastoma (MDB). Also called: MEDULLOBLASTOMA PREDISPOSITION SYNDROME; Medulloblastoma, somatic. Identifiers: Orphanet 616, MedGen C0025149, MeSH D008527, MONDO:0007959, OMIM 155255, HP:0002885.
Fanconi anemia complementation group D1. Also called: BRCA2-Related Fanconi Anemia. Identifiers: Orphanet 319462, MedGen C1838457, MONDO:0011584, OMIM 605724.
Familial cancer of breast. Also called: Hereditary breast cancer; hereditary breast carcinoma; BREAST CANCER, FAMILIAL. Identifiers: Orphanet 227535, MedGen C0346153, MONDO:0016419, OMIM 114480. Disease mechanism: loss of function.
Pancreatic cancer, susceptibility to, 2. Identifiers: Orphanet 1333, MedGen C3150546, MONDO:0013235, OMIM 613347.
Hereditary cancer-predisposing syndrome. Also called: Hereditary neoplastic syndrome; Hereditary Cancer Syndrome; Tumor predisposition; Neoplastic Syndromes, Hereditary. Identifiers: Orphanet 140162, MedGen C0027672, MeSH D009386, MONDO:0015356.
Hereditary breast ovarian cancer syndrome. Also called: Breast and ovarian cancer; Hereditary breast and/or ovarian cancer syndrome; Hereditary breast and ovarian cancer; Hereditary breast and ovarian cancer syndrome; BRCA1- and BRCA2-Associated Hereditary Breast and Ovarian Cancer; Hereditary breast and ovarian cancer syndrome (HBOC). Identifiers: Orphanet 145, MedGen C0677776, MeSH D061325, MONDO:0003582. Disease mechanism: loss of function.
Breast-ovarian cancer, familial, susceptibility to, 1 (BROVCA1). Also called: BRCA1 Hereditary Breast and Ovarian Cancer; OVARIAN CANCER, SUSCEPTIBILITY TO. Identifiers: Orphanet 145, MedGen C2676676, MONDO:0011450, OMIM 604370. Disease mechanism: loss of function.

Allele frequency attached by ClinVar (database versions not stated): TOPMed 0.00001; gnomAD 0.00002; gnomAD exomes 0.00001; ExAC 0.00001.
gnomAD v4.1: 12 of 1,613,640 alleles (0.00074%); highest among the groups gnomAD compares: African/African-American, 0.0013%; no homozygotes.

Submissions 1 to 8 of 30:

Evidence-based Network for the Interpretation of Germline Mutant Alleles (ENIGMA)
Classification: Pathogenic for Breast-ovarian cancer, familial, susceptibility to, 2. Last evaluated: 2016-04-22. Review status: reviewed by expert panel. Criteria: ENIGMA BRCA1/2 Classification Criteria (2015). Collection method: curation. Allele origin: germline.
Comment: Variant allele predicted to encode a truncated non-functional protein.

Genomics and Molecular Medicine Service, East Genomic Laboratory Hub, NHS Genomic Medicine Service
Classification: Pathogenic for Inherited breast cancer and ovarian cancer. Last evaluated: 2026-03-18. Review status: criteria provided, single submitter. Criteria: ACGS Best Practice Guidelines for Variant Classification in Rare Disease 2020. Collection method: clinical testing. Allele origin: germline. Affected: yes. Not counted in ClinVar's aggregate classification.
Comment: PVS1,PM5_Strong

Labcorp Genetics (formerly Invitae), Labcorp
Classification: Pathogenic for Hereditary breast ovarian cancer syndrome. Last evaluated: 2026-02-01. Review status: criteria provided, single submitter. Criteria: Invitae Variant Classification Sherloc (09022015). Collection method: clinical testing. Allele origin: germline. Not counted in ClinVar's aggregate classification.
Comment: This sequence change creates a premature translational stop signal (p.Tyr3098*) in the BRCA2 gene. It is expected to result in an absent or disrupted protein product. Loss-of-function variants in BRCA2 are known to be pathogenic (PMID: 20104584). This variant is present in population databases (rs80359200, gnomAD 0.008%). This premature translational stop signal has been observed in individual(s) with breast and/or ovarian cancer (PMID: 12698193, 23569316, 24728189, 26787237, 26845104). This variant is also known as 9522C>G. ClinVar contains an entry for this variant (Variation ID: 38229). For these reasons, this variant has been classified as Pathogenic.

Cambridge Genomics Laboratory, East Genomic Laboratory Hub, NHS Genomic Medicine Service
Classification: Pathogenic for Inherited breast cancer and ovarian cancer. Last evaluated: 2025-12-18. Review status: criteria provided, single submitter. Criteria: ACGS Best Practice Guidelines for Variant Classification in Rare Disease 2020. Collection method: clinical testing. Allele origin: germline. Affected: yes. Not counted in ClinVar's aggregate classification.
Comment: PVS1,PM2_Supporting,PM5_Strong

Variantyx, Inc.
Classification: Pathogenic for Autosomal dominant BRCA2-related cancer types. Last evaluated: 2025-07-24. Review status: criteria provided, single submitter. Criteria: Variantyx Assertion Criteria 2022. Collection method: clinical testing. Allele origin: germline. Inheritance: Autosomal dominant inheritance. Affected: no. Not counted in ClinVar's aggregate classification.
Comment: This is a nonsense variant in the BRCA2 gene (OMIM: 600185). Pathogenic variants in this gene have been associated with autosomal dominant susceptibility to BRCA2-related cancer types. This variant introduces a premature termination codon in exon 25 out of 27 and is expected to result in loss of function, which is a known disease mechanism for BRCA2 in this disorder (PMID: 20301425) (PVS1). It has been reported in numerous studies, including large hereditary breast and ovarian cancer cohort studies, and has been identified in patients with breast, ovarian, prostate and pancreatic cancers PMID: 12698193; 25186627; 33758026; 36169650; 30274973 34761457). This variant has a 0.0013% maximum allele frequency in non-founder control populations. Based on the current evidence, this variant is classified as pathogenic for autosomal dominant susceptibility to BRCA2-related cancer types.

Mayo Clinic Laboratories, Mayo Clinic
Classification: Pathogenic. Last evaluated: 2025-05-16. Review status: criteria provided, single submitter. Criteria: ACMG Guidelines, 2015. Collection method: clinical testing. Allele origin: germline. Observed: 1 variant allele. Not counted in ClinVar's aggregate classification.
Comment: PM5_strong, PVS1

Quest Diagnostics Nichols Institute San Juan Capistrano
Classification: Pathogenic. Last evaluated: 2024-12-10. Review status: criteria provided, single submitter. Criteria: Quest Diagnostics criteria. Collection method: clinical testing. Allele origin: unknown. Not counted in ClinVar's aggregate classification.
Comment: The BRCA2 c.9294C>G (p.Tyr3098*) variant causes the premature termination of BRCA2 protein synthesis. This variant has been reported in the published literature in individuals with female breast cancer (PMID: 12698193 (2003), 25186627 (2015), 35864222 (2022), 33758026 (2022)), male breast cancer (PMID: 38912178 (2024)), ovarian cancer (PMID: 36169650 (2022)), pancreatic cancer (PMID: 30274973 (2018)), and colorectal cancer (PMID: 34761457 (2022)). In a large-scale breast cancer association study, this variant has been observed in 3 breast cancer cases (PMID: 33471991 (2021)), see also LOVD). The variant was predicted to be non-functional in cell viability and drug sensitivity assays (PMID: 37922907 (2023)). The frequency of this variant in the general population (Genome Aggregation Database) is consistent with pathogenicity. Based on the available information, this variant is classified as pathogenic.

Color Diagnostics, LLC DBA Color Health
Classification: Pathogenic for Hereditary cancer-predisposing syndrome. Last evaluated: 2024-10-16. Review status: criteria provided, single submitter. Criteria: ACMG Guidelines, 2015. Collection method: clinical testing. Allele origin: germline. Not counted in ClinVar's aggregate classification.
Comment: This variant changes 1 nucleotide in exon 25 of the BRCA2 gene, creating a premature translation stop signal. This variant is expected to result in an absent or non-functional protein product. A functional study has reported that this variant impacts BRCA2 function in the rescue of Brca2-deficient mouse embryonic stem cells in sensitivity to cisplatin and PARP inhibitors (PMID: 37922907). This variant has been reported in at least 9 individuals affected with breast or ovarian cancer (PMID: 9667259, 24728189, 25186627, 26787237, 28724667, 33471991; Leiden Open Variation Database DB-ID BRCA2_001528) and dozens of suspected hereditary breast and ovarian cancer families (PMID: 12698193, 16234499, 18779604, 26187060, 30702160). This variant also has been reported in individuals affected with pancreatic and prostate cancer (PMID: 23569316, 26845104, 27456091, 30274973). This variant has been identified in 3/282252 chromosomes in the general population by the Genome Aggregation Database (gnomAD). Loss of BRCA2 function is a known mechanism of disease. Based on the available evidence, this variant is classified as Pathogenic.